The following is an entry in ClinVar:

NM_014319.5(LEMD3):c.2480A>G (p.Lys827Arg)

Gene: LEMD3 (LEM domain containing 3; plus strand). Cytogenetic location: 12q14.3.
Variant type: single nucleotide variant.
Coding change: c.2480A>G on transcript NM_014319.5 (MANE Select); coding-DNA position 2480, A replaced by G.
Protein change: p.Lys827Arg; replaces lysine 827 with arginine.
Molecular consequence: missense variant.
Genome position (GRCh38, 1-based): chr12:65,245,761, A>G. VCF-style: chr12-65245761-A-G. GRCh37 (hg19) VCF-style: chr12-65639541-A-G.
Other names: c.2477A>G, p.Lys826Arg (NM_001167614.2); short protein forms K827R, K826R.
Identifiers: ClinVar variation 1494765 (VCV001494765.8), dbSNP rs970897423, ClinGen allele CA385675666.

ClinVar aggregate classification (germline): Uncertain significance (1 of 4 stars; one submission).

Allele frequency attached by ClinVar (database versions not stated): TOPMed 0.00002; gnomAD 0.00003 and 0.00004; gnomAD exomes below 0.00001 and 0.00001.
gnomAD v4.1: 28 of 1,613,240 alleles (0.0017%); highest among the groups gnomAD compares: Non-Finnish European, 0.0022%; no homozygotes.

Submission:

Labcorp Genetics (formerly Invitae), Labcorp
Classification: Uncertain significance. Last evaluated: 2025-10-27. Review status: criteria provided, single submitter. Criteria: Invitae Variant Classification Sherloc (09022015). Collection method: clinical testing. Allele origin: germline.
Comment: This sequence change replaces lysine, which is basic and polar, with arginine, which is basic and polar, at codon 827 of the LEMD3 protein (p.Lys827Arg). This variant is present in population databases (no rsID available, gnomAD 0.002%). This variant has not been reported in the literature in individuals affected with LEMD3-related conditions. ClinVar contains an entry for this variant (Variation ID: 1494765). Invitae Evidence Modeling of protein sequence and biophysical properties (such as structural, functional, and spatial information, amino acid conservation, physicochemical variation, residue mobility, and thermodynamic stability) indicates that this missense variant is not expected to disrupt LEMD3 protein function with a negative predictive value of 80%. In summary, the available evidence is currently insufficient to determine the role of this variant in disease. Therefore, it has been classified as a Variant of Uncertain Significance.